The following is an entry in ClinVar:

NM_000260.4(MYO7A):c.3285+3G>A

Gene: MYO7A (myosin VIIA; plus strand). Cytogenetic location: 11q13.5.
Variant type: single nucleotide variant.
Coding change: c.3285+3G>A on transcript NM_000260.4 (MANE Select); 3 bases into the intron after coding-DNA position 3285, G replaced by A.
Molecular consequence: intron variant.
Genome position (GRCh38, 1-based): chr11:77,182,603, G>A. VCF-style: chr11-77182603-G-A. GRCh37 (hg19) VCF-style: chr11-76893648-G-A.
Other names: c.3252+3G>A (NM_001369365.1); c.3285+3G>A (NM_001127180.2).
Identifiers: ClinVar variation 1023668 (VCV001023668.6), dbSNP rs1186153232, ClinGen allele CA475795762.

ClinVar aggregate classification (germline): Uncertain significance. Review status: criteria provided, single submitter (1 of 4 stars). 2 submissions from 2 submitters: Uncertain significance (1). 1 of the submissions does not count toward it. Last evaluated 2020-03-05.

Conditions:
Usher syndrome type 1B (USH1B). Also called: Usher syndrome type IB. Identifiers: MedGen C1848638, MONDO:0700087.

Allele frequency attached by ClinVar (database versions not stated): gnomAD 0.00001; gnomAD exomes 0.00001; TOPMed 0.00001.
gnomAD v4.1: 6 of 1,612,744 alleles (0.00037%); highest among the groups gnomAD compares: African/African-American, 0.0013%; no homozygotes.

Submissions (2):

Labcorp Genetics (formerly Invitae), Labcorp
Classification: Uncertain significance. Last evaluated: 2020-03-05. Review status: criteria provided, single submitter. Criteria: Invitae Variant Classification Sherloc (09022015). Collection method: clinical testing. Allele origin: germline.
Comment: This sequence change falls in intron 25 of the MYO7A gene. It does not directly change the encoded amino acid sequence of the MYO7A protein, but it affects a nucleotide within the consensus splice site of the intron. This variant is not present in population databases (ExAC no frequency). This variant has not been reported in the literature in individuals with MYO7A-related conditions. Nucleotide substitutions within the consensus splice site are a relatively common cause of aberrant splicing (PMID: 17576681, 9536098). Algorithms developed to predict the effect of sequence changes on RNA splicing suggest that this variant is not likely to affect RNA splicing, but this prediction has not been confirmed by published transcriptional studies. In summary, the available evidence is currently insufficient to determine the role of this variant in disease. Therefore, it has been classified as a Variant of Uncertain Significance.

Natera, Inc.
Classification: Uncertain significance for Usher syndrome type 1B. Last evaluated: 2020-06-29. Review status: no assertion criteria provided. Collection method: clinical testing. Allele origin: germline. Not counted in ClinVar's aggregate classification.

Literature cited by the submitters: PubMed 17576681 (cited by Labcorp Genetics (formerly Invitae), Labcorp); PubMed 9536098 (cited by Labcorp Genetics (formerly Invitae), Labcorp).